The following is an entry in ClinVar:

ClinVar aggregate classification (germline): Uncertain significance (1 of 4 stars; one submission).

Conditions:
HYPERHOMOCYSTEINEMIA, THROMBOTIC, CBS-RELATED. Identifiers: MedGen C3150344, OMIM 236200.

Submission:

Labcorp Genetics (formerly Invitae), Labcorp
Classification: Uncertain significance for HYPERHOMOCYSTEINEMIA, THROMBOTIC, CBS-RELATED. Last evaluated: 2024-10-31. Review status: criteria provided, single submitter. Criteria: Invitae Variant Classification Sherloc (09022015). Collection method: clinical testing. Allele origin: germline.
Comment: This sequence change replaces histidine, which is basic and polar, with arginine, which is basic and polar, at codon 513 of the CBS protein (p.His513Arg). This variant is not present in population databases (gnomAD no frequency). This variant has not been reported in the literature in individuals affected with CBS-related conditions. ClinVar contains an entry for this variant (Variation ID: 2416538). Invitae Evidence Modeling of protein sequence and biophysical properties (such as structural, functional, and spatial information, amino acid conservation, physicochemical variation, residue mobility, and thermodynamic stability) has been performed for this missense variant. However, the output from this modeling did not meet the statistical confidence thresholds required to predict the impact of this variant on CBS protein function. In summary, the available evidence is currently insufficient to determine the role of this variant in disease. Therefore, it has been classified as a Variant of Uncertain Significance.

NM_000071.3(CBS):c.1538A>G (p.His513Arg)

Gene: CBS (cystathionine beta-synthase; minus strand). Cytogenetic location: 21q22.3.
Variant type: single nucleotide variant.
Coding change: c.1538A>G on transcript NM_000071.3 (MANE Select); coding-DNA position 1538, A replaced by G.
Protein change: p.His513Arg; replaces histidine 513 with arginine.
Molecular consequence: missense variant.
Genome position (GRCh38, 1-based): chr21:43,056,817, T>C on the plus strand (A>G on the coding strand, the complement: CBS is on the minus strand). VCF-style: chr21-43056817-T-C. GRCh37 (hg19) VCF-style: chr21-44476927-T-C.
Other names: c.1538A>G, p.His513Arg (NM_001178008.3, NM_001178009.3, NM_001320298.2); c.1223A>G, p.His408Arg (NM_001321072.1); short protein forms H408R, H513R.
Identifiers: ClinVar variation 2416538 (VCV002416538.5), dbSNP rs1328834710, ClinGen allele CA410395613.